The following is an entry in ClinVar:

ClinVar aggregate classification (germline): Benign/Likely benign. Review status: criteria provided, multiple submitters, no conflicts (2 of 4 stars). 4 submissions from 4 submitters: Benign (2); Likely benign (2). Last evaluated 2026-02-01.

Conditions:
Koolen-de Vries syndrome (KDVS). Identifiers: Orphanet 96169, MedGen C1864871, MONDO:0012496, OMIM 610443.

Allele frequency attached by ClinVar (database versions not stated): ESP Exome Variant Server 0.00031; TOPMed 0.00037; gnomAD 0.00042 and 0.00044; gnomAD exomes 0.00043 and 0.00049; 1000 Genomes Project 0.00060; 1000 Genomes Project 30x 0.00062; ExAC 0.00064.
gnomAD v4.1: 777 of 1,614,144 alleles (0.048%); highest among the groups gnomAD compares: Non-Finnish European, 0.057%; 1 homozygote.

Submissions (4):

CeGaT Center for Human Genetics Tuebingen
Classification: Likely benign. Last evaluated: 2026-02-01. Review status: criteria provided, single submitter. Criteria: CeGaT Center For Human Genetics Tuebingen Variant Classification Criteria Version 2. Collection method: clinical testing. Allele origin: germline. Affected: yes. Observed: 2 variant alleles.
Comment: KANSL1: BP4

Labcorp Genetics (formerly Invitae), Labcorp
Classification: Benign for Koolen-de Vries syndrome. Last evaluated: 2025-12-21. Review status: criteria provided, single submitter. Criteria: Invitae Variant Classification Sherloc (09022015). Collection method: clinical testing. Allele origin: germline.

Blueprint Genetics
Classification: Likely benign. Last evaluated: 2024-10-09. Review status: criteria provided, single submitter. Criteria: ACMG Guidelines, 2015. Collection method: clinical testing. Allele origin: germline.

GeneDx
Classification: Benign. Last evaluated: 2014-02-20. Review status: criteria provided, single submitter. Criteria: GeneDx Variant Classification (06012015). Collection method: clinical testing. Allele origin: germline. Affected: yes.
Comment: This variant is considered likely benign or benign based on one or more of the following criteria: it is a conservative change, it occurs at a poorly conserved position in the protein, it is predicted to be benign by multiple in silico algorithms, and/or has population frequency not consistent with disease.

NM_015443.4(KANSL1):c.2481C>T (p.Ser827=)

Gene: KANSL1 (KAT8 regulatory NSL complex subunit 1). Cytogenetic location: 17q21.31.
Variant type: single nucleotide variant.
Coding change: c.2481C>T on transcript NM_015443.4 (MANE Select); coding-DNA position 2481, C replaced by T.
Protein change: p.Ser827=; no amino-acid change (serine 827 retained).
Molecular consequence: synonymous variant.
Genome position (GRCh38, 1-based): chr17:46,038,598, G>A on the plus strand (C>T on the coding strand, the complement: KANSL1 is on the minus strand). VCF-style: chr17-46038598-G-A. GRCh37 (hg19) VCF-style: chr17-44115964-G-A.
Other names: p.S827S:TCC>TCT; c.2481C>T, p.Ser827= (NM_001193465.2, NM_001193466.2, NM_001379198.1).
Identifiers: ClinVar variation 137968 (VCV000137968.46), dbSNP rs143653891, ClinGen allele CA291703.
Genomic context (GRCh38, chr17:46,038,598, plus strand): 5'-CGATGTGCTGGCTGTAACCTGTGAGCTAGAGCTGGCGGGTGCAGGGGAATCTGAGGAGGT[G>A]GAGAGCTGTCGCACCAAGGGACTGTGTGGAGGATGGTGGGTGGCTGCCAAGTAGCTCGAA-3'
Protein context (NP_056258.1, residues 817-837): PPHSPLVRQL[Ser827=]TSSDSPAPAS